The following is an entry in ClinVar:

NM_145178.4(ATOH7):c.184C>A (p.Arg62Ser)

Gene: ATOH7 (atonal bHLH transcription factor 7; minus strand). Cytogenetic location: 10q21.3.
Variant type: single nucleotide variant.
Coding change: c.184C>A on transcript NM_145178.4 (MANE Select); coding-DNA position 184, C replaced by A.
Protein change: p.Arg62Ser; replaces arginine 62 with serine.
Molecular consequence: missense variant.
Genome position (GRCh38, 1-based): chr10:68,231,494, G>T on the plus strand (C>A on the coding strand, the complement: ATOH7 is on the minus strand). VCF-style: chr10-68231494-G-T. GRCh37 (hg19) VCF-style: chr10-69991251-G-T.
Other names: c.184C>A (NM_145178.2); short protein forms R62S.
Identifiers: ClinVar variation 848320 (VCV000848320.8), dbSNP rs373272132, ClinGen allele CA5523371.

ClinVar aggregate classification (germline): Uncertain significance. Review status: criteria provided, multiple submitters, no conflicts (2 of 4 stars). 3 submissions from 3 submitters: Uncertain significance (3). Last evaluated 2026-01-12.

Allele frequency attached by ClinVar (database versions not stated): ESP Exome Variant Server 0.00008; gnomAD 0.00021 and 0.00022; TOPMed 0.00022.

Submissions (3):

Labcorp Genetics (formerly Invitae), Labcorp
Classification: Uncertain significance. Last evaluated: 2026-01-12. Review status: criteria provided, single submitter. Criteria: Invitae Variant Classification Sherloc (09022015). Collection method: clinical testing. Allele origin: germline.
Comment: This sequence change replaces arginine, which is basic and polar, with serine, which is neutral and polar, at codon 62 of the ATOH7 protein (p.Arg62Ser). This variant is present in population databases (rs373272132, gnomAD 0.04%). This variant has not been reported in the literature in individuals affected with ATOH7-related conditions. ClinVar contains an entry for this variant (Variation ID: 848320). An algorithm developed to predict the effect of missense changes on protein structure and function (PolyPhen-2) suggests that this variant is likely to be disruptive. In summary, the available evidence is currently insufficient to determine the role of this variant in disease. Therefore, it has been classified as a Variant of Uncertain Significance.

Blueprint Genetics
Classification: Uncertain significance. Last evaluated: 2024-09-11. Review status: criteria provided, single submitter. Criteria: ACMG Guidelines, 2015. Collection method: clinical testing. Allele origin: germline.

Ambry Genetics
Classification: Uncertain significance. Last evaluated: 2023-12-09. Review status: criteria provided, single submitter. Criteria: Ambry Variant Classification Scheme 2023. Collection method: clinical testing. Allele origin: germline.